The following is an entry in ClinVar:

ClinVar aggregate classification (germline): Uncertain significance (1 of 4 stars; one submission).

Conditions:
Inborn genetic diseases. Identifiers: MedGen C0950123, MeSH D030342.

Submission:

Ambry Genetics
Classification: Uncertain significance for Inborn genetic diseases. Last evaluated: 2026-03-16. Review status: criteria provided, single submitter. Criteria: Ambry Variant Classification Scheme 2023. Collection method: clinical testing. Allele origin: germline.
Comment: The p.H67R variant (also known as c.200A>G), located in coding exon 2 of the USB1 gene, results from an A to G substitution at nucleotide position 200. The histidine at codon 67 is replaced by arginine, an amino acid with highly similar properties. This amino acid position is conserved. In addition, this alteration is predicted to be deleterious by in silico analysis. Based on the available evidence, the clinical significance of this variant remains unclear.

NM_024598.4(USB1):c.200A>G (p.His67Arg)

Gene: USB1 (U6 snRNA biogenesis phosphodiesterase 1; plus strand). Cytogenetic location: 16q21.
Variant type: single nucleotide variant.
Coding change: c.200A>G on transcript NM_024598.4 (MANE Select); coding-DNA position 200, A replaced by G.
Protein change: p.His67Arg; replaces histidine 67 with arginine.
Molecular consequence: missense variant.
Genome position (GRCh38, 1-based): chr16:58,002,580, A>G. VCF-style: chr16-58002580-A-G. GRCh37 (hg19) VCF-style: chr16-58036484-A-G.
Other names: c.200A>G, p.His67Arg (NM_001195302.2, NM_001204911.2, NM_001330569.2); c.47A>G, p.His16Arg (NM_001330568.2); short protein forms H16R, H67R.
Identifiers: ClinVar variation 4866342 (VCV004866342.1).